The following is an entry in ClinVar:

ClinVar aggregate classification (germline): Uncertain significance (1 of 4 stars; one submission).

Submission:

GeneDx
Classification: Uncertain significance. Last evaluated: 2022-10-17. Review status: criteria provided, single submitter. Criteria: GeneDx Variant Classification Process June 2021. Collection method: clinical testing. Allele origin: germline. Affected: yes.
Comment: Not observed at significant frequency in large population cohorts (gnomAD); In silico analysis supports that this missense variant does not alter protein structure/function; Has not been previously published as pathogenic or benign to our knowledge

NM_003922.4(HERC1):c.4988G>T (p.Arg1663Ile)

Gene: HERC1 (HECT and RLD domain containing E3 ubiquitin protein ligase family member 1; minus strand). Cytogenetic location: 15q22.31.
Variant type: single nucleotide variant.
Coding change: c.4988G>T on transcript NM_003922.4 (MANE Select); coding-DNA position 4988, G replaced by T.
Protein change: p.Arg1663Ile; replaces arginine 1663 with isoleucine.
Molecular consequence: missense variant.
Genome position (GRCh38, 1-based): chr15:63,696,257, C>A on the plus strand (G>T on the coding strand, the complement: HERC1 is on the minus strand). VCF-style: chr15-63696257-C-A. GRCh37 (hg19) VCF-style: chr15-63988456-C-A.
Other names: short protein forms R1663I.
Identifiers: ClinVar variation 2499868 (VCV002499868.1), dbSNP rs1216703772, ClinGen allele CA392749603.
Genomic context (GRCh38, chr15:63,696,257, plus strand): 5'-GCTAGGAACTGCAGCCTCACAGACGTGAGTAGTGTGGAGGACTGGAAGCCTGAACTCAAT[C>A]TGCTTCCTGCCAGTGAGATGCTACCTTTTTCTTCCATCCCAGACAATAGAACGAGGATCT-3'
Protein context (NP_003913.3, residues 1653-1673): EKGSISLAGS[Arg1663Ile]LSSGFQSSTL